The following is an entry in ClinVar:

ClinVar aggregate classification (germline): Uncertain significance (1 of 4 stars; one submission).

Conditions:
Mendelian susceptibility to mycobacterial diseases due to complete IL12RB1 deficiency. Also called: IL12RB1 DEFICIENCY; Immunodeficiency 30. Identifiers: Orphanet 319552, MedGen C4013949, MONDO:0013955, OMIM 614891.

gnomAD v4.1: 1 of 1,613,358 alleles (0.000062%); highest among the groups gnomAD compares: Non-Finnish European, 0.000085%; no homozygotes.

Submission:

Labcorp Genetics (formerly Invitae), Labcorp
Classification: Uncertain significance for Mendelian susceptibility to mycobacterial diseases due to complete IL12RB1 deficiency. Last evaluated: 2023-01-01. Review status: criteria provided, single submitter. Criteria: Invitae Variant Classification Sherloc (09022015). Collection method: clinical testing. Allele origin: germline.
Comment: This sequence change replaces cysteine, which is neutral and slightly polar, with serine, which is neutral and polar, at codon 474 of the IL12RB1 protein (p.Cys474Ser). This variant is not present in population databases (gnomAD no frequency). This missense change has been observed in individual(s) with IL12RB1-related conditions (PMID: 24186907). Advanced modeling of protein sequence and biophysical properties (such as structural, functional, and spatial information, amino acid conservation, physicochemical variation, residue mobility, and thermodynamic stability) performed at Invitae indicates that this missense variant is expected to disrupt IL12RB1 protein function. In summary, the available evidence is currently insufficient to determine the role of this variant in disease. Therefore, it has been classified as a Variant of Uncertain Significance.

Literature cited by the submitters: PubMed 24186907.

NM_005535.3(IL12RB1):c.1420T>A (p.Cys474Ser)

Gene: IL12RB1 (interleukin 12 receptor subunit beta 1; minus strand). Cytogenetic location: 19p13.11.
Variant type: single nucleotide variant.
Coding change: c.1420T>A on transcript NM_005535.3 (MANE Select); coding-DNA position 1420, T replaced by A.
Protein change: p.Cys474Ser; replaces cysteine 474 with serine.
Molecular consequence: missense variant.
Genome position (GRCh38, 1-based): chr19:18,066,605, A>T on the plus strand (T>A on the coding strand, the complement: IL12RB1 is on the minus strand). VCF-style: chr19-18066605-A-T. GRCh37 (hg19) VCF-style: chr19-18177415-A-T.
Other names: c.1420T>A, p.Cys474Ser (NM_001290023.2); c.1540T>A, p.Cys514Ser (NM_001290024.2); short protein forms C474S, C514S.
Identifiers: ClinVar variation 2112202 (VCV002112202.4), dbSNP rs768032979, ClinGen allele CA404776655.
Genomic context (GRCh38, chr19:18,066,605, plus strand): 5'-ACACCTGTTTGCTGTCTTCATCTCGGCAGCGGACAACATACTCCTTTAGGACGCCGGGAC[A>T]GGTGCTCAGCAGGGATGGTGCCCAGTCCACAGACACAGAGTCCAAGCTATGATTCTTCAC-3'
Protein context (NP_005526.1, residues 464-484): VDWAPSLLST[Cys474Ser]PGVLKEYVVR